The following is an entry in ClinVar:

ClinVar aggregate classification (germline): Pathogenic (1 of 4 stars; one submission).

Submission:

Labcorp Genetics (formerly Invitae), Labcorp
Classification: Pathogenic. Last evaluated: 2022-10-28. Review status: criteria provided, single submitter. Criteria: Invitae Variant Classification Sherloc (09022015). Collection method: clinical testing. Allele origin: germline.
Comment: For these reasons, this variant has been classified as Pathogenic. Algorithms developed to predict the effect of sequence changes on RNA splicing suggest that this variant may disrupt the consensus splice site. ClinVar contains an entry for this variant (Variation ID: 1345604). Disruption of this splice site has been observed in individual(s) with autosomal dominant Stickler syndrome (PMID: 32756486). This variant is not present in population databases (gnomAD no frequency). This sequence change affects an acceptor splice site in intron 14 of the COL11A1 gene. It is expected to disrupt RNA splicing. Variants that disrupt the donor or acceptor splice site typically lead to a loss of protein function (PMID: 16199547), and loss-of-function variants in COL11A1 are known to be pathogenic (PMID: 20513134, 21035103, 23922384, 25240749, 32427345, 32756486).

Literature cited by the submitters: PubMed 32756486; PubMed 16199547; PubMed 20513134; PubMed 21035103; PubMed 23922384; PubMed 25240749; PubMed 32427345.

NM_001854.4(COL11A1):c.1630-1G>C

Gene: COL11A1 (collagen type XI alpha 1 chain; minus strand). Cytogenetic location: 1p21.1.
Variant type: single nucleotide variant.
Coding change: c.1630-1G>C on transcript NM_001854.4 (MANE Select); the canonical splice acceptor site of the intron before coding-DNA position 1630, G replaced by C.
Molecular consequence: splice acceptor variant.
Genome position (GRCh38, 1-based): chr1:103,008,517, C>G on the plus strand (G>C on the coding strand, the complement: COL11A1 is on the minus strand). VCF-style: chr1-103008517-C-G. GRCh37 (hg19) VCF-style: chr1-103474073-C-G.
Other names: c.1513-1G>C (NM_001190709.2); c.1666-1G>C (NM_080629.3); c.1282-1G>C (NM_080630.4).
Identifiers: ClinVar variation 1345604 (VCV001345604.6), dbSNP rs2101869722, ClinGen allele CA341175628.